The following is an entry in ClinVar:

ClinVar aggregate classification (germline): Uncertain significance. Review status: criteria provided, multiple submitters, no conflicts (2 of 4 stars). 12 submissions from 12 submitters: Uncertain significance (11). 1 of the submissions does not count toward it. Last evaluated 2026-03-30.

Conditions:
BRCA2-related cancer predisposition. Identifiers: MedGen CN377758, MONDO:0700269.
BRCA2-related disorder. Also called: BRCA2-related condition; BRCA2-related disorders. Identifiers: MedGen CN239275.
Hereditary cancer-predisposing syndrome. Also called: Neoplastic Syndromes, Hereditary; Tumor predisposition; Hereditary neoplastic syndrome; Hereditary Cancer Syndrome. Identifiers: Orphanet 140162, MedGen C0027672, MeSH D009386, MONDO:0015356.
Hereditary breast ovarian cancer syndrome. Also called: Hereditary breast and/or ovarian cancer syndrome; Hereditary breast and ovarian cancer syndrome; Hereditary breast and ovarian cancer; Hereditary breast and ovarian cancer syndrome (HBOC); Breast and ovarian cancer; BRCA1- and BRCA2-Associated Hereditary Breast and Ovarian Cancer. Identifiers: Orphanet 145, MedGen C0677776, MeSH D061325, MONDO:0003582. Disease mechanism: loss of function.
Breast-ovarian cancer, familial, susceptibility to, 2 (BROVCA2). Also called: BRCA2 Hereditary Breast and Ovarian Cancer. Identifiers: Orphanet 145, MedGen C2675520, MONDO:0012933, OMIM 612555. Disease mechanism: loss of function.
Familial cancer of breast. Also called: Hereditary breast cancer; BREAST CANCER, FAMILIAL; hereditary breast carcinoma. Identifiers: Orphanet 227535, MedGen C0346153, MONDO:0016419, OMIM 114480. Disease mechanism: loss of function.

Allele frequency attached by ClinVar (database versions not stated): TOPMed below 0.00001; gnomAD 0.00001; ExAC 0.00002; gnomAD exomes 0.00002 and 0.00003.
gnomAD v4.1: 38 of 1,602,668 alleles (0.0024%); highest among the groups gnomAD compares: Non-Finnish European, 0.0032%; no homozygotes.

Submissions 1 to 5 of 12:

PreventionGenetics, part of Exact Sciences
Classification: Uncertain significance for BRCA2-related condition. Last evaluated: 2026-03-30. Review status: criteria provided, single submitter. Criteria: ACMG Guidelines, 2015. Collection method: clinical testing. Allele origin: germline.
Comment: The BRCA2 c.620C>T variant is predicted to result in the amino acid substitution p.Thr207Ile. This variant was reported in individuals with breast, ovarian, and colorectal cancer (Pearlman et al. 2017. PubMed ID: 27978560; Alsop et al. 2012. PubMed ID: 22711857; Lu et al. 2015. PubMed ID: 26689913). This variant is reported in 0.0035% of alleles in individuals of European (Non-Finnish) descent in gnomAD and is classified as uncertain in ClinVar (Variation ID: 186155). Functional studies indicate that this variant may impact RNA splicing resulting the deletion of exon 7 in a small percentage of mRNAs (Di Giacomo. 2013. PubMed ID: 23983145; Fraile-Bethencourt. 2019. PubMed ID: 30883759). However, the clinical impact of this incomplete splicing defect is unknown. At this time, the clinical significance of this variant is uncertain due to the absence of conclusive functional and genetic evidence.

Labcorp Genetics (formerly Invitae), Labcorp
Classification: Uncertain significance for Hereditary breast ovarian cancer syndrome. Last evaluated: 2025-12-10. Review status: criteria provided, single submitter. Criteria: Invitae Variant Classification Sherloc (09022015). Collection method: clinical testing. Allele origin: germline.
Comment: This sequence change replaces threonine, which is neutral and polar, with isoleucine, which is neutral and non-polar, at codon 207 of the BRCA2 protein (p.Thr207Ile). This variant is present in population databases (rs41293471, gnomAD 0.004%). This missense change has been observed in individual(s) with breast, ovarian or colorectal cancer (PMID: 22711857, 26689913, 27978560). ClinVar contains an entry for this variant (Variation ID: 186155). Invitae Evidence Modeling of protein sequence and biophysical properties (such as structural, functional, and spatial information, amino acid conservation, physicochemical variation, residue mobility, and thermodynamic stability) indicates that this missense variant is not expected to disrupt BRCA2 protein function with a negative predictive value of 95%. Studies have shown that this missense change is associated with inconclusive levels of altered splicing (internal data). In summary, the available evidence is currently insufficient to determine the role of this variant in disease. Therefore, it has been classified as a Variant of Uncertain Significance.

Ambry Genetics
Classification: Uncertain significance for Hereditary cancer-predisposing syndrome. Last evaluated: 2025-10-18. Review status: criteria provided, single submitter. Criteria: Ambry Variant Classification Scheme 2023. Collection method: clinical testing. Allele origin: germline.
Comment: The p.T207I variant (also known as c.620C>T), located in coding exon 6 of the BRCA2 gene, results from a C to T substitution at nucleotide position 620. This alteration has been identified in individuals diagnosed with ovarian and colorectal cancer (Alsop K et al. J. Clin. Oncol., 2012 Jul;30:2654-63; Pearlman R et al. JAMA Oncol 2017 Apr;3(4):464-471). In addition, this variant was identified in a cohort of 4034 individuals representing 12 cancer types (Lu C et al. Nat Commun, 2015 Dec;6:10086) and was reported in 0/60,466 breast cancer cases and in 1/53,461 controls in another large study (Dorling et al. N Engl J Med. 2021 02;384:428-439). This amino acid position is highly conserved in available vertebrate species. In addition, as a missense variant, this alteration is predicted to be tolerated by in silico analysis. In silico splice site analysis for this alteration, however, is inconclusive. RNA studies have demonstrated that this alteration results in an incomplete splice defect; the clinical impact of this abnormal splicing is unknown at this time (Di Giacomo D et al. Hum. Mutat. 2013 Nov; 34(11):1547-57; Fraile-Bethencourt E. J Pathol. 2019 Aug;248(4):409-420; Ambry internal data). Based on the available evidence, the clinical significance of this variant remains unclear.

ARUP Laboratories, Molecular Genetics and Genomics, ARUP Laboratories
Classification: Uncertain significance. Last evaluated: 2025-05-15. Review status: criteria provided, single submitter. Criteria: ARUP Molecular Germline Variant Investigation Process 2024. Collection method: clinical testing. Allele origin: germline.
Comment: The BRCA2 c.620C>T; p.Thr207Ile variant (rs41293471, ClinVar Variation ID: 186155) is reported in the literature in individuals affected with breast, ovarian and colon cancer (Alsop 2012, Lu 2015, Pearlman 2017, Tung 2015). This variant is found in the non-Finnish European population with an allele frequency of 0.004% (4/113,644 alleles) in the Genome Aggregation Database (v2.1.1). Computational analyses (Splice AI) predict that this variant may alter splicing. In addition, RNA studies show that this variant results in both full-length and truncated mRNA transcripts (Di Giacomo 2013, Fraile-Bethencourt 2019). Due to conflicting information, the clinical significance of this variant is uncertain at this time. References: Alsop K et al. BRCA mutation frequency and patterns of treatment response in BRCA mutation-positive women with ovarian cancer: a report from the Australian Ovarian Cancer Study Group. J Clin Oncol. 2012 Jul 20;30(21):2654-63. PMID: 22711857. Di Giacomo D et al. Functional analysis of a large set of BRCA2 exon 7 variants highlights the predictive value of hexamer scores in detecting alterations of exonic splicing regulatory elements. Hum Mutat. 2013 Nov;34(11):1547-57. PMID: 23983145. Fraile-Bethencourt E et al. Mis-splicing in breast cancer: identification of pathogenic BRCA2 variants by systematic minigene assays. J Pathol. 2019 Aug;248(4):409-420. PMID: 30883759. Lu C et al. Patterns and functional implications of rare germline variants across 12 cancer types. Nat Commun. 2015 Dec 22;6:10086. PMID: 26689913. Pearlman R et al. Prevalence and Spectrum of Germline Cancer Susceptibility Gene Mutations Among Patients With Early-Onset Colorectal Cancer. JAMA Oncol. 2017 Apr 1;3(4):464-471. PMID: 27978560. Tung N et al. Frequency of mutations in individuals with breast cancer referred for BRCA1 and BRCA2 testing using next-generation sequencing with a 25-gene panel. Cancer. 2015 Jan 1;121(1):25-33. PMID: 25186627.

Women's Health and Genetics/Laboratory Corporation of America, LabCorp
Classification: Uncertain significance. Last evaluated: 2025-01-28. Review status: criteria provided, single submitter. Criteria: LabCorp Variant Classification Summary - May 2015. Collection method: clinical testing. Allele origin: germline.
Comment: Variant summary: BRCA2 c.620C>T (p.Thr207Ile) results in a non-conservative amino acid change in the encoded protein sequence. Four of five in-silico tools predict a damaging effect of the variant on protein function. Consensus agreement among computation tools predict no significant impact on normal splicing. However, these predictions have yet to be confirmed by functional studies. The variant allele was found at a frequency of 1.6e-05 in 251284 control chromosomes. The available data on variant occurrences in the general population are insufficient to allow any conclusion about variant significance. c.620C>T has been reported in the literature in individuals affected with Breast, Ovarian, and Colon Cancer (Alsop_2012, Tung_2014, Lu_2015). These report(s) do not provide unequivocal conclusions about association of the variant with Hereditary Breast And Ovarian Cancer Syndrome. To our knowledge, no experimental evidence demonstrating an impact on protein function has been reported. The following publications have been ascertained in the context of this evaluation (PMID: 22711857, 18724707, 23983145, 25186627, 26689913, 26761715, 27978560). ClinVar contains an entry for this variant (Variation ID: 186155). Based on the evidence outlined above, the variant was classified as uncertain significance.

NM_000059.4(BRCA2):c.620C>T (p.Thr207Ile)

Gene: BRCA2 (BRCA2 DNA repair associated; plus strand). Cytogenetic location: 13q13.1.
Variant type: single nucleotide variant.
Coding change: c.620C>T on transcript NM_000059.4 (MANE Select); coding-DNA position 620, C replaced by T.
Protein change: p.Thr207Ile; replaces threonine 207 with isoleucine.
Molecular consequence: missense variant.
Genome position (GRCh38, 1-based): chr13:32,326,602, C>T. VCF-style: chr13-32326602-C-T. GRCh37 (hg19) VCF-style: chr13-32900739-C-T.
Other names: short protein forms T207I.
Identifiers: ClinVar variation 186155 (VCV000186155.41), dbSNP rs41293471, ClinGen allele CA023750.